The following is an entry in ClinVar:

NC_000010.10:g.(?_124221169)_(124221660_?)del

Gene: HTRA1 (HtrA serine peptidase 1; plus strand). Cytogenetic location: 10q26.13.
Variant type: Deletion.
Identifiers: ClinVar variation 1459875 (VCV001459875.4).

ClinVar aggregate classification (germline): Pathogenic (1 of 4 stars; one submission).

Submission:

Labcorp Genetics (formerly Invitae), Labcorp
Classification: Pathogenic. Last evaluated: 2021-07-12. Review status: criteria provided, single submitter. Criteria: Invitae Variant Classification Sherloc (09022015). Collection method: clinical testing. Allele origin: germline.
Comment: For these reasons, this variant has been classified as Pathogenic. This variant has not been reported in the literature in individuals with HTRA1-related conditions. This variant is a gross deletion of the genomic region encompassing exon(s) 1 of the HTRA1 gene, which includes the initiator codon. The 5' end of this event is unknown as it extends beyond the assayed region for this gene and therefore may encompass additional genes. The 3' boundary is likely confined to intron 1 of the HTRA1 gene. It is expected to result in an absent or disrupted protein product. Loss-of-function variants in HTRA1 are known to be pathogenic (PMID: 19387015, 29895533).

Literature cited by the submitters: PubMed 19387015; PubMed 29895533.